The following is an entry in ClinVar:

ClinVar aggregate classification (germline): Uncertain significance. Review status: criteria provided, multiple submitters, no conflicts (2 of 4 stars). 2 submissions from 2 submitters: Uncertain significance (2). Last evaluated 2026-03-17.

Conditions:
Inborn genetic diseases. Identifiers: MedGen C0950123, MeSH D030342.

gnomAD v4.1: 1 of 1,614,000 alleles (0.000062%); highest among the groups gnomAD compares: Non-Finnish European, 0.000085%; no homozygotes.

Submissions (2):

GeneDx
Classification: Uncertain significance. Last evaluated: 2026-03-17. Review status: criteria provided, single submitter. Criteria: GeneDx Variant Classification Process June 2021. Collection method: clinical testing. Allele origin: germline.
Comment: Not observed at significant frequency in large population cohorts (gnomAD); In silico analysis supports that this missense variant has a deleterious effect on protein structure/function; Has not been previously published as pathogenic or benign to our knowledge

Ambry Genetics
Classification: Uncertain significance for Inborn genetic diseases. Last evaluated: 2025-04-25. Review status: criteria provided, single submitter. Criteria: Ambry Variant Classification Scheme 2023. Collection method: clinical testing. Allele origin: germline.

NM_020987.5(ANK3):c.6806A>C (p.Glu2269Ala)

Genes: ANK3 (ankyrin 3; minus strand), LOC130003862 (ATAC-STARR-seq lymphoblastoid active region 3393; plus strand). Cytogenetic location: 10q21.2.
Variant type: single nucleotide variant.
Coding change: c.6806A>C on transcript NM_020987.5 (MANE Select); coding-DNA position 6806, A replaced by C.
Protein change: p.Glu2269Ala; replaces glutamic acid 2269 with alanine.
Molecular consequence: missense variant. On other transcripts: intron variant (4).
Genome position (GRCh38, 1-based): chr10:60,074,075, T>G on the plus strand (A>C on the coding strand, the complement: ANK3 is on the minus strand). VCF-style: chr10-60074075-T-G. GRCh37 (hg19) VCF-style: chr10-61833833-T-G.
Other names: c.4388-6066A>C (NM_001204403.2); c.4409-6066A>C (NM_001204404.2); c.4406-6066A>C (NM_001320874.2); c.1808-6066A>C (NM_001149.4); short protein forms E2269A.
Identifiers: ClinVar variation 4052091 (VCV004052091.2).
Genomic context (GRCh38, chr10:60,074,075, plus strand): 5'-TCTTTGGAAGGATCCCGCCCGGACTGAAAGGCCTTCATGATGTCATGGACTGACATGGTT[T>G]CTTCAATTCTTTCAGATGCACCTTCACCGCCTGGTGGAGAATGATAAACCATTCTGGTGG-3'
Protein context (NP_066267.2, residues 2259-2279): GGEGASERIE[Glu2269Ala]TMSVHDIMKA